The following is an entry in ClinVar:

ClinVar aggregate classification (germline): Likely benign. Review status: criteria provided, multiple submitters, no conflicts (2 of 4 stars). 2 submissions from 2 submitters: Likely benign (2). Last evaluated 2022-05-25.

Submissions (2):

Labcorp Genetics (formerly Invitae), Labcorp
Classification: Likely benign. Last evaluated: 2022-05-25. Review status: criteria provided, single submitter. Criteria: Invitae Variant Classification Sherloc (09022015). Collection method: clinical testing. Allele origin: germline.

GeneDx
Classification: Likely benign. Last evaluated: 2017-03-03. Review status: criteria provided, single submitter. Criteria: GeneDx Variant Classification (06012015). Collection method: clinical testing. Allele origin: germline. Affected: yes.
Comment: This variant is considered likely benign or benign based on one or more of the following criteria: it is a conservative change, it occurs at a poorly conserved position in the protein, it is predicted to be benign by multiple in silico algorithms, and/or has population frequency not consistent with disease.

NM_020312.4(COQ9):c.379-16G>A

Gene: COQ9 (coenzyme Q9; plus strand). Cytogenetic location: 16q21.
Variant type: single nucleotide variant.
Coding change: c.379-16G>A on transcript NM_020312.4 (MANE Select); 16 bases into the intron before coding-DNA position 379, G replaced by A.
Molecular consequence: intron variant.
Genome position (GRCh38, 1-based): chr16:57,456,488, G>A. VCF-style: chr16-57456488-G-A. GRCh37 (hg19) VCF-style: chr16-57490400-G-A.
Identifiers: ClinVar variation 507431 (VCV000507431.5), dbSNP rs62037144, ClinGen allele CA8076197.